The following is an entry in ClinVar:

ClinVar aggregate classification (germline): Uncertain significance (1 of 4 stars; one submission).

Allele frequency attached by ClinVar (database versions not stated): ExAC 0.00002.
gnomAD v4.1: 5 of 1,613,840 alleles (0.00031%); highest among the groups gnomAD compares: South Asian, 0.0055%; no homozygotes.

Submission:

Labcorp Genetics (formerly Invitae), Labcorp
Classification: Uncertain significance. Last evaluated: 2022-08-31. Review status: criteria provided, single submitter. Criteria: Invitae Variant Classification Sherloc (09022015). Collection method: clinical testing. Allele origin: germline.
Comment: In summary, the available evidence is currently insufficient to determine the role of this variant in disease. Therefore, it has been classified as a Variant of Uncertain Significance. Variants that disrupt the consensus splice site are a relatively common cause of aberrant splicing (PMID: 17576681, 9536098). Algorithms developed to predict the effect of sequence changes on RNA splicing suggest that this variant is not likely to affect RNA splicing. This variant has not been reported in the literature in individuals affected with SEC61A1-related conditions. This variant is present in population databases (rs747337054, gnomAD 0.006%). This sequence change falls in intron 9 of the SEC61A1 gene. It does not directly change the encoded amino acid sequence of the SEC61A1 protein. It affects a nucleotide within the consensus splice site.

Literature cited by the submitters: PubMed 17576681; PubMed 9536098.

NM_013336.4(SEC61A1):c.975+6T>A

Genes: RUVBL1 (RuvB like AAA ATPase 1; minus strand), SEC61A1 (SEC61 translocon subunit alpha 1; plus strand). Cytogenetic location: 3q21.3.
Variant type: single nucleotide variant.
Coding change: c.975+6T>A on transcript NM_013336.4 (MANE Select); 6 bases into the intron after coding-DNA position 975, T replaced by A.
Molecular consequence: intron variant.
Genome position (GRCh38, 1-based): chr3:128,067,157, T>A. VCF-style: chr3-128067157-T-A. GRCh37 (hg19) VCF-style: chr3-127786000-T-A.
Other names: c.993+6T>A (NM_001400328.1); c.816+6T>A (NM_001400329.1); c.940-1937A>T (NM_001319086.1).
Identifiers: ClinVar variation 2028303 (VCV002028303.4), dbSNP rs747337054, ClinGen allele CA2598536.